The following is an entry in ClinVar:

ClinVar aggregate classification (germline): Uncertain significance. Review status: reviewed by expert panel (3 of 4 stars). 2 submissions from 2 submitters: Uncertain significance (1). 1 of the submissions does not count toward it. Last evaluated 2025-05-02.

Conditions:
Hereditary thrombocytopenia and hematological cancer predisposition syndrome associated with RUNX1. Also called: Familial Platelet Disorder with Propensity to Acute Myelogenous Leukemia; Familial thrombocytopenia with propensity to acute myelogenous leukemia; PLATELET DISORDER, ASPIRIN-LIKE; RUNX1 Familial Platelet Disorder with Associated Myeloid Malignancies. Identifiers: Orphanet 71290, MedGen C1832388, MeSH C563324, MONDO:0100083, OMIM 601399.
Hereditary thrombocytopenia and hematologic cancer predisposition syndrome. Identifiers: Orphanet 71290, MedGen CN281654, MONDO:0011071.

Submissions (2):

ClinGen Myeloid Malignancy Variant Curation Expert Panel
Classification: Uncertain significance for Hereditary thrombocytopenia and hematologic cancer predisposition syndrome. Last evaluated: 2025-05-02. Review status: reviewed by expert panel. Criteria: ClinGen MyeloMalig ACMG Specifications v2. Collection method: curation. Allele origin: germline. Inheritance: Autosomal dominant inheritance.
Comment: NM_001754.5(RUNX1):c.597_598insGCC (p.Gly199_Pro200insAla) is an in-frame insertion variant which has not been featured in functional or case studies. This variant has not been reported in any populations featured in any version of gnomAD, allowing for application of PM2_Supporting. This in-frame insertion affects the R201 and R204 hotspot residues within the Runt Homology Domain (RHD), allowing for application of PM4. In summary, this variant meets criteria to be classified as a variant of uncertain significance (VUS). ACMG/AMP criteria applied, as specified by the Myeloid Malignancy Variant Curation Expert Panel for RUNX1: PM2_Supporting, PM4.

Labcorp Genetics (formerly Invitae), Labcorp
Classification: Uncertain significance for Hereditary thrombocytopenia and hematological cancer predisposition syndrome associated with RUNX1. Last evaluated: 2024-04-24. Review status: criteria provided, single submitter. Criteria: Invitae Variant Classification Sherloc (09022015). Collection method: clinical testing. Allele origin: germline. Not counted in ClinVar's aggregate classification.
Comment: This variant, c.597_598insGCC, results in the insertion of 1 amino acid(s) of the RUNX1 protein (p.Gly199_Pro200insAla), but otherwise preserves the integrity of the reading frame. This variant is not present in population databases (gnomAD no frequency). This variant has not been reported in the literature in individuals affected with RUNX1-related conditions. In summary, the available evidence is currently insufficient to determine the role of this variant in disease. Therefore, it has been classified as a Variant of Uncertain Significance.

NM_001754.5(RUNX1):c.597_598insGCC (p.Gly199_Pro200insAla)

Genes: RUNX1 (RUNX family transcription factor 1; minus strand), RUNX1-AS1 (RUNX1 antisense RNA 1; plus strand). Cytogenetic location: 21q22.12.
Variant type: Insertion.
Coding change: c.597_598insGCC on transcript NM_001754.5 (MANE Select); coding-DNA positions 597 to 598, GCC inserted.
Protein change: p.Gly199_Pro200insAla.
Genome position: GRCh38 VCF-style: chr21-34859489-G-GGGC. GRCh37 (hg19) VCF-style: chr21-36231786-G-GGGC.
Other names: NM_001754.5(RUNX1):c.597_598insGCC; p.Gly199_Pro200insAla; c.516_517insGCC, p.Gly172_Pro173insAla (NM_001001890.3, NM_001122607.2).
Identifiers: ClinVar variation 3650680 (VCV003650680.3).
Genomic context (GRCh38, chr21:34,859,489, plus strand): 5'-TGTACCAGCCTGGAGGGTGTACCAGCCCCAAGTGGATGCACTTACTTCGAGGTTCTCGGG[G>GGGC]CCCATCCACTGTGATTTTGATGGCTCTGTGGTAGGTGGCGACTTGCGGTGGGTTTGTGAA-3'